The following is an entry in ClinVar:

NM_006172.4(NPPA):c.159AGA[1] (p.Glu54del)

Genes: NPPA (natriuretic peptide A; minus strand), NPPA-AS1 (NPPA antisense RNA 1; plus strand), LOC114827827 (VISTA enhancer hs2123; plus strand). Cytogenetic location: 1p36.22.
Variant type: Microsatellite.
Coding change: c.159AGA[1] on transcript NM_006172.4 (MANE Select); one copy of the 3-base unit AGA starting at c.159; the reference has two copies in a row; one copy, 3 bases deleted.
Protein change: p.Glu54del; deletes glutamic acid 54.
Molecular consequence: inframe deletion.
Genome position (GRCh38, 1-based): chr1:11,847,399-11,847,401, TCT deleted on the plus strand (AGA on the coding strand, the reverse complement: NPPA is on the minus strand); deleting any 3 consecutive bases within chr1:11,847,399-11,847,404 gives the same sequence; the position shown is the placement nearest the transcript's 3' end. VCF-style (leftmost placement, unchanged base first): chr1-11847398-ATCT-A. GRCh37 (hg19) VCF-style: chr1-11907455-ATCT-A.
Other names: short protein forms E54del.
Identifiers: ClinVar variation 1973676 (VCV001973676.5), dbSNP rs2523211627, ClinGen allele CA2580611133.

ClinVar aggregate classification (germline): Uncertain significance (1 of 4 stars; one submission).

Conditions:
Atrial fibrillation, familial, 6 (ATFB6). Identifiers: MedGen C2677294, MONDO:0012816, OMIM 612201.

Submission:

Labcorp Genetics (formerly Invitae), Labcorp
Classification: Uncertain significance for Atrial fibrillation, familial, 6. Last evaluated: 2024-12-02. Review status: criteria provided, single submitter. Criteria: Invitae Variant Classification Sherloc (09022015). Collection method: clinical testing. Allele origin: germline.
Comment: This variant, c.162_164del, results in the deletion of 1 amino acid(s) of the NPPA protein (p.Glu54del), but otherwise preserves the integrity of the reading frame. This variant is not present in population databases (gnomAD no frequency). This variant has not been reported in the literature in individuals affected with NPPA-related conditions. Experimental studies and prediction algorithms are not available or were not evaluated, and the functional significance of this variant is currently unknown. In summary, the available evidence is currently insufficient to determine the role of this variant in disease. Therefore, it has been classified as a Variant of Uncertain Significance.